The following is an entry in ClinVar:

NM_002508.3(NID1):c.2947C>A (p.Leu983Met)

Gene: NID1 (nidogen 1; minus strand). Cytogenetic location: 1q42.3.
Variant type: single nucleotide variant.
Coding change: c.2947C>A on transcript NM_002508.3 (MANE Select); coding-DNA position 2947, C replaced by A.
Protein change: p.Leu983Met; replaces leucine 983 with methionine.
Molecular consequence: missense variant.
Genome position (GRCh38, 1-based): chr1:235,985,487, G>T on the plus strand (C>A on the coding strand, the complement: NID1 is on the minus strand). VCF-style: chr1-235985487-G-T. GRCh37 (hg19) VCF-style: chr1-236148787-G-T.
Other names: short protein forms L983M.
Identifiers: ClinVar variation 449213 (VCV000449213.3), dbSNP rs140746746, ClinGen allele CA1468049.

ClinVar aggregate classification (germline): Uncertain significance. Review status: criteria provided, multiple submitters, no conflicts (2 of 4 stars). 2 submissions from 2 submitters: Uncertain significance (2). Last evaluated 2022-01-27.

Allele frequency attached by ClinVar (database versions not stated): 1000 Genomes Project 30x 0.00016; 1000 Genomes Project 0.00020; TOPMed 0.00064; gnomAD 0.00080 and 0.00085; gnomAD exomes 0.00081; ExAC 0.00085; ESP Exome Variant Server 0.00131.
gnomAD v4.1: 1,482 of 1,614,148 alleles (0.092%); highest among the groups gnomAD compares: Non-Finnish European, 0.12%; 4 homozygotes.

Submissions (2):

Ambry Genetics
Classification: Uncertain significance. Last evaluated: 2022-01-27. Review status: criteria provided, single submitter. Criteria: Ambry Variant Classification Scheme 2023. Collection method: clinical testing. Allele origin: germline.

GeneDx
Classification: Uncertain significance. Last evaluated: 2015-04-29. Review status: criteria provided, single submitter. Criteria: GeneDx Variant Classification (06012015). Collection method: clinical testing. Allele origin: germline. Affected: yes.
Comment: The L983M variant in the NID1 gene has not been published as a pathogenic variant, nor has it been reported as a benign polymorphism to our knowledge. The NHLBI ESP Exome Sequencing Project reports L983M was observed at a frequency of 0.19%, 16/8600 alleles from individuals of European ancestry, indicating it may be a rare variant in this population. The L983M variant is a conservative amino acid substitution, which is not likely to impact secondary protein structure as these residues share similar properties. This substitution occurs at a position where amino acids with similar properties to Leucine are tolerated across species. In silico analysis is inconsistent in its predictions as to whether or not the variant is damaging to the protein structure/function. We interpret L983M as a variant of unknown significance.